The following is an entry in ClinVar:

ClinVar aggregate classification (germline): Pathogenic. Review status: criteria provided, multiple submitters, no conflicts (2 of 4 stars). 3 submissions from 3 submitters: Pathogenic (3). Last evaluated 2026-07-06.

Conditions:
Familial cancer of breast. Also called: BREAST CANCER, FAMILIAL; hereditary breast carcinoma; Hereditary breast cancer. Identifiers: Orphanet 227535, MedGen C0346153, MONDO:0016419, OMIM 114480. Disease mechanism: loss of function.
Hereditary cancer-predisposing syndrome. Also called: Hereditary neoplastic syndrome; Hereditary Cancer Syndrome; Neoplastic Syndromes, Hereditary; Tumor predisposition. Identifiers: Orphanet 140162, MedGen C0027672, MeSH D009386, MONDO:0015356.

Submissions (3):

Ambry Genetics
Classification: Pathogenic for Hereditary cancer-predisposing syndrome. Last evaluated: 2026-07-06. Review status: criteria provided, single submitter. Criteria: Ambry Variant Classification Scheme 2023. Collection method: clinical testing. Allele origin: germline.
Comment: The p.W912* pathogenic mutation (also known as c.2735G>A), located in coding exon 7 of the PALB2 gene, results from a G to A substitution at nucleotide position 2735. This changes the amino acid from a tryptophan to a stop codon within coding exon 7. This variant is considered to be rare based on population cohorts in the Genome Aggregation Database (gnomAD). This alteration is expected to result in loss of function by premature protein truncation or nonsense-mediated mRNA decay. As such, this alteration is interpreted as a disease-causing mutation.

Myriad Genetics, Inc.
Classification: Pathogenic for Familial cancer of breast. Last evaluated: 2023-09-13. Review status: criteria provided, single submitter. Criteria: Myriad Autosomal Dominant, Autosomal Recessive and X-Linked Classification Criteria (2023). Collection method: clinical testing. Allele origin: unknown.
Comment: This variant is considered pathogenic. This variant creates a termination codon and is predicted to result in premature protein truncation.

Labcorp Genetics (formerly Invitae), Labcorp
Classification: Pathogenic for Familial cancer of breast. Last evaluated: 2023-08-18. Review status: criteria provided, single submitter. Criteria: Invitae Variant Classification Sherloc (09022015). Collection method: clinical testing. Allele origin: germline.
Comment: Algorithms developed to predict the effect of sequence changes on RNA splicing suggest that this variant may disrupt the consensus splice site. This premature translational stop signal has been observed in individual(s) with breast cancer (PMID: 31841383). This variant is not present in population databases (gnomAD no frequency). This sequence change creates a premature translational stop signal (p.Trp912*) in the PALB2 gene. It is expected to result in an absent or disrupted protein product. Loss-of-function variants in PALB2 are known to be pathogenic (PMID: 17200668, 17200671, 17200672, 24136930, 25099575). For these reasons, this variant has been classified as Pathogenic.

Literature cited by the submitters: PubMed 31841383 (cited by Labcorp Genetics (formerly Invitae), Labcorp); PubMed 17200668 (cited by Labcorp Genetics (formerly Invitae), Labcorp); PubMed 17200671 (cited by Labcorp Genetics (formerly Invitae), Labcorp); PubMed 17200672 (cited by Labcorp Genetics (formerly Invitae), Labcorp); PubMed 24136930 (cited by Labcorp Genetics (formerly Invitae), Labcorp); PubMed 25099575 (cited by Labcorp Genetics (formerly Invitae), Labcorp).

NM_024675.4(PALB2):c.2735G>A (p.Trp912Ter)

Gene: PALB2 (partner and localizer of BRCA2; minus strand). Cytogenetic location: 16p12.2.
Variant type: single nucleotide variant.
Coding change: c.2735G>A on transcript NM_024675.4 (MANE Select); coding-DNA position 2735, G replaced by A.
Protein change: p.Trp912Ter; replaces tryptophan 912 with a stop codon.
Molecular consequence: nonsense. On other transcripts: intron variant (3).
Genome position (GRCh38, 1-based): chr16:23,626,249, C>T on the plus strand (G>A on the coding strand, the complement: PALB2 is on the minus strand). VCF-style: chr16-23626249-C-T. GRCh37 (hg19) VCF-style: chr16-23637570-C-T.
Other names: c.2587-2155G>A (NM_001407298.1, NM_001407302.1); c.1702-2155G>A (NM_001407307.1); c.2675G>A, p.Trp892Ter (NM_001407296.1); c.2663G>A, p.Trp888Ter (NM_001407297.1); c.2735G>A, p.Trp912Ter (NM_001407299.1, NM_001407300.1, NM_001407301.1); c.1850G>A, p.Trp617Ter (NM_001407304.1, NM_001407305.1, NM_001407306.1 and 4 more transcripts); c.947G>A, p.Trp316Ter (NM_001407312.1, NM_001407313.1); c.269G>A, p.Trp90Ter (NM_001407314.1); short protein forms W316*, W617*, W888*, W892*, W90*, W912*.
Identifiers: ClinVar variation 2673860 (VCV002673860.5), dbSNP rs2142353165, ClinGen allele CA395121842.
Genomic context (GRCh38, chr16:23,626,249, plus strand): 5'-AGGCAAATGGCTGCAAAGATCTCTTTCAGCTCGAGATTCCCACTTACCTCTGCGAAGTGC[C>T]AGGTATAAAGTTTTTCCCACTGCCAAGCATCCAGAGCTTTCCAAAGAGAAACTACATCTT-3'